The following is an entry in ClinVar:

NM_198253.3(TERT):c.988C>A (p.His330Asn)

Gene: TERT (telomerase reverse transcriptase; minus strand). Cytogenetic location: 5p15.33.
Variant type: single nucleotide variant.
Coding change: c.988C>A on transcript NM_198253.3 (MANE Select); coding-DNA position 988, C replaced by A.
Protein change: p.His330Asn; replaces histidine 330 with asparagine.
Molecular consequence: missense variant. On other transcripts: non-coding transcript variant (2).
Genome position (GRCh38, 1-based): chr5:1,293,898, G>T on the plus strand (C>A on the coding strand, the complement: TERT is on the minus strand). VCF-style: chr5-1293898-G-T. GRCh37 (hg19) VCF-style: chr5-1294013-G-T.
Other names: c.988C>A, p.His330Asn (NM_001193376.3); c.988C>A (NM_198253.2); short protein forms H330N.
Identifiers: ClinVar variation 1494608 (VCV001494608.9), dbSNP rs1172004659, ClinGen allele CA359056014.
Genomic context (GRCh38, chr5:1,293,898, plus strand): 5'-GAGAGCTGAGTAGGAAGGAGGGCCGCAGCTGCTCCTTGTCGCCTGAGGAGTAGAGGAAGT[G>T]CTTGGTCTCGGCGTACACCGGGGGACAAGGCGTGTCCCAGGGACGTGGTGGCCGCGATGT-3'
Protein context (NP_937983.2, residues 320-340): PCPPVYAETK[His330Asn]FLYSSGDKEQ

ClinVar aggregate classification (germline): Uncertain significance. Review status: criteria provided, multiple submitters, no conflicts (2 of 4 stars). 2 submissions from 2 submitters: Uncertain significance (2). Last evaluated 2026-06-14.

Conditions:
Dyskeratosis congenita, autosomal dominant 2. Identifiers: MedGen C3151443, MONDO:0013521, OMIM 613989.
Idiopathic Pulmonary Fibrosis. Also called: Idiopathic fibrosing alveolitis, chronic form; idiopathic fibrosing alveolitis. Identifiers: Orphanet 2032, MedGen C1800706, MeSH D054990, MONDO:0800504.
Dyskeratosis congenita. Identifiers: Orphanet 1775, MedGen C0265965, MONDO:0015780.

Allele frequency attached by ClinVar (database versions not stated): gnomAD exomes 0.00001 and below 0.00001.
gnomAD v4.1: 1 of 1,542,380 alleles (0.000065%); highest among the groups gnomAD compares: South Asian, 0.0012%; no homozygotes.

Submissions (2):

Ambry Genetics
Classification: Uncertain significance for Dyskeratosis congenita. Last evaluated: 2026-06-14. Review status: criteria provided, single submitter. Criteria: Ambry Variant Classification Scheme 2023. Collection method: clinical testing. Allele origin: germline.
Comment: The p.H330N variant (also known as c.988C>A), located in coding exon 2 of the TERT gene, results from a C to A substitution at nucleotide position 988. The histidine at codon 330 is replaced by asparagine, an amino acid with similar properties. This amino acid position is conserved. In addition, this alteration is predicted to be tolerated by in silico analysis. Based on the available evidence, the clinical significance of this variant remains unclear.

Labcorp Genetics (formerly Invitae), Labcorp
Classification: Uncertain significance for Dyskeratosis congenita, autosomal dominant 2; Idiopathic Pulmonary Fibrosis. Last evaluated: 2021-04-04. Review status: criteria provided, single submitter. Criteria: Invitae Variant Classification Sherloc (09022015). Collection method: clinical testing. Allele origin: germline.
Comment: In summary, the available evidence is currently insufficient to determine the role of this variant in disease. Therefore, it has been classified as a Variant of Uncertain Significance. Advanced modeling of protein sequence and biophysical properties (such as structural, functional, and spatial information, amino acid conservation, physicochemical variation, residue mobility, and thermodynamic stability) performed at Invitae indicates that this missense variant is not expected to disrupt TERT protein function. This variant has not been reported in the literature in individuals with TERT-related conditions. This variant is not present in population databases (ExAC no frequency). This sequence change replaces histidine with asparagine at codon 330 of the TERT protein (p.His330Asn). The histidine residue is weakly conserved and there is a small physicochemical difference between histidine and asparagine.